The following is an entry in ClinVar:

NM_001684.5(ATP2B4):c.1870C>T (p.Arg624Cys)

Gene: ATP2B4 (ATPase plasma membrane Ca2+ transporting 4; plus strand). Cytogenetic location: 1q32.1.
Variant type: single nucleotide variant.
Coding change: c.1870C>T on transcript NM_001684.5 (MANE Select); coding-DNA position 1870, C replaced by T.
Protein change: p.Arg624Cys; replaces arginine 624 with cysteine.
Molecular consequence: missense variant.
Genome position (GRCh38, 1-based): chr1:203,710,947, C>T. VCF-style: chr1-203710947-C-T. GRCh37 (hg19) VCF-style: chr1-203680075-C-T.
Other names: c.1870C>T, p.Arg624Cys (NM_001001396.3, NM_001365783.2, NM_001365784.2); short protein forms R624C.
Identifiers: ClinVar variation 3131562 (VCV003131562.2), dbSNP rs369752357, ClinGen allele CA1341725.

ClinVar aggregate classification (germline): Uncertain significance. Review status: criteria provided, multiple submitters, no conflicts (2 of 4 stars). 2 submissions from 2 submitters: Uncertain significance (2). Last evaluated 2025-12-17.

Allele frequency attached by ClinVar (database versions not stated): ExAC 0.00004; gnomAD exomes 0.00004; gnomAD 0.00007; ESP Exome Variant Server 0.00008; TOPMed 0.00008.
gnomAD v4.1: 63 of 1,613,950 alleles (0.0039%); highest among the groups gnomAD compares: Admixed American, 0.023%; no homozygotes.

Submissions (2):

Labcorp Genetics (formerly Invitae), Labcorp
Classification: Uncertain significance. Last evaluated: 2025-12-17. Review status: criteria provided, single submitter. Criteria: Invitae Variant Classification Sherloc (09022015). Collection method: clinical testing. Allele origin: germline.
Comment: This sequence change replaces arginine, which is basic and polar, with cysteine, which is neutral and slightly polar, at codon 624 of the ATP2B4 protein (p.Arg624Cys). This variant is present in population databases (rs369752357, gnomAD 0.01%). This variant has not been reported in the literature in individuals affected with ATP2B4-related conditions. ClinVar contains an entry for this variant (Variation ID: 3131562). Invitae Evidence Modeling of protein sequence and biophysical properties (such as structural, functional, and spatial information, amino acid conservation, physicochemical variation, residue mobility, and thermodynamic stability) indicates that this missense variant is not expected to disrupt ATP2B4 protein function with a negative predictive value of 80%. In summary, the available evidence is currently insufficient to determine the role of this variant in disease. Therefore, it has been classified as a Variant of Uncertain Significance.

Ambry Genetics
Classification: Uncertain significance. Last evaluated: 2024-01-04. Review status: criteria provided, single submitter. Criteria: Ambry Variant Classification Scheme 2023. Collection method: clinical testing. Allele origin: germline.